The following is an entry in ClinVar:

NM_000088.4(COL1A1):c.770del (p.Gly257fs)

Genes: COL1A1 (collagen type I alpha 1 chain; minus strand), LOC126862586 (CDK7 strongly-dependent group 2 enhancer GRCh37_chr17:48273702-48274901; plus strand). Cytogenetic location: 17q21.33.
Variant type: Deletion.
Coding change: c.770del on transcript NM_000088.4 (MANE Select); coding-DNA position 770, one base deleted (G; older notation c.770delG).
Protein change: p.Gly257fs; shifts the reading frame from glycine 257.
Molecular consequence: frameshift variant.
Genome position (GRCh38, 1-based): chr17:50,197,044, C deleted on the plus strand (G on the coding strand, the reverse complement: COL1A1 is on the minus strand); the first of 2 consecutive C bases (chr17:50,197,044-50,197,045); deleting either gives the same sequence. VCF-style (leftmost placement, unchanged base first): chr17-50197043-TC-T. GRCh37 (hg19) VCF-style: chr17-48274404-TC-T.
Other names: c.770delG (NM_000088.3); short protein forms G257fs.
Identifiers: ClinVar variation 456795 (VCV000456795.2), dbSNP rs1555574497, ClinGen allele CA658656721.

ClinVar aggregate classification (germline): Pathogenic/Likely pathogenic. Review status: criteria provided, multiple submitters, no conflicts (2 of 4 stars). 2 submissions from 2 submitters: Pathogenic (1); Likely pathogenic (1). Last evaluated 2020-12-26.

Conditions:
COL1A1-related disorder. Also called: COL1A1-related condition; COL1A1- related disease.
Osteogenesis imperfecta type I (OI1). Also called: OI, TYPE I; OSTEOGENESIS IMPERFECTA TARDA; OSTEOGENESIS IMPERFECTA WITH BLUE SCLERAE; Osteogenesis imperfecta type 1; Classic Non-deforming Osteogenesis Imperfecta with Blue Sclerae; Lobstein's Disease. Identifiers: Orphanet 216796, Orphanet 666, MedGen C0023931, MONDO:0008146, OMIM 166200. Disease mechanism: loss of function.

Submissions (2):

Blueprint Genetics
Classification: Likely pathogenic for COL1A1-related disorders. Last evaluated: 2020-12-26. Review status: criteria provided, single submitter. Criteria: ACMG Guidelines, 2015. Collection method: clinical testing. Allele origin: germline. Affected: yes. Observed: 1 variant allele.

Labcorp Genetics (formerly Invitae), Labcorp
Classification: Pathogenic for Osteogenesis imperfecta type I. Last evaluated: 2018-01-12. Review status: criteria provided, single submitter. Criteria: Invitae Variant Classification Sherloc (09022015). Collection method: clinical testing. Allele origin: germline.
Comment: This sequence change creates a premature translational stop signal (p.Gly257Glufs*8) in the COL1A1 gene. It is expected to result in an absent or disrupted protein product. This variant is not present in population databases (ExAC no frequency). This variant has not been reported in the literature in individuals with COL1A1-related disease. Loss-of-function variants in COL1A1 are known to be pathogenic (PMID: 9443882, 9295084, 7942841). For these reasons, this variant has been classified as Pathogenic.